The following is an entry in ClinVar:

ClinVar aggregate classification (germline): Uncertain significance. Review status: criteria provided, multiple submitters, no conflicts (2 of 4 stars). 2 submissions from 2 submitters: Uncertain significance (2). Last evaluated 2025-08-13.

Conditions:
Neurofibromatosis, type 1 (NF1). Also called: VON RECKLINGHAUSEN DISEASE; NEUROFIBROMATOSIS, TYPE I, SOMATIC; Neurofibromatosis, type I; Peripheral type neurofibromatosis. Identifiers: Orphanet 636, MedGen C0027831, MONDO:0018975, OMIM 162200. Disease mechanism: loss of function.
Cardiovascular phenotype. Identifiers: MedGen CN230736.
Hereditary cancer-predisposing syndrome. Also called: Neoplastic Syndromes, Hereditary; Tumor predisposition; Hereditary Cancer Syndrome; Hereditary neoplastic syndrome. Identifiers: Orphanet 140162, MedGen C0027672, MeSH D009386, MONDO:0015356.

Allele frequency attached by ClinVar (database versions not stated): gnomAD exomes below 0.00001.
gnomAD v4.1: 3 of 1,613,728 alleles (0.00019%); highest among the groups gnomAD compares: Non-Finnish European, 0.00025%; no homozygotes.

Submissions (2):

Labcorp Genetics (formerly Invitae), Labcorp
Classification: Uncertain significance for Neurofibromatosis, type 1. Last evaluated: 2025-08-13. Review status: criteria provided, single submitter. Criteria: Invitae Variant Classification Sherloc (09022015). Collection method: clinical testing. Allele origin: germline.
Comment: This sequence change replaces lysine, which is basic and polar, with arginine, which is basic and polar, at codon 1683 of the NF1 protein (p.Lys1683Arg). This variant is not present in population databases (gnomAD no frequency). This variant has not been reported in the literature in individuals affected with NF1-related conditions. ClinVar contains an entry for this variant (Variation ID: 1744984). Invitae Evidence Modeling of protein sequence and biophysical properties (such as structural, functional, and spatial information, amino acid conservation, physicochemical variation, residue mobility, and thermodynamic stability) indicates that this missense variant is not expected to disrupt NF1 protein function with a negative predictive value of 95%. In summary, the available evidence is currently insufficient to determine the role of this variant in disease. Therefore, it has been classified as a Variant of Uncertain Significance.

Ambry Genetics
Classification: Uncertain significance for Cardiovascular phenotype; Hereditary cancer-predisposing syndrome. Last evaluated: 2022-03-05. Review status: criteria provided, single submitter. Criteria: Ambry Variant Classification Scheme 2023. Collection method: clinical testing. Allele origin: germline.
Comment: The p.K1683R variant (also known as c.5048A>G), located in coding exon 36 of the NF1 gene, results from an A to G substitution at nucleotide position 5048. The lysine at codon 1683 is replaced by arginine, an amino acid with highly similar properties. This amino acid position is conserved. In addition, this alteration is predicted to be tolerated by in silico analysis. Since supporting evidence is limited at this time, the clinical significance of this alteration remains unclear.

NM_001042492.3(NF1):c.5111A>G (p.Lys1704Arg)

Gene: NF1 (neurofibromin 1; plus strand). Cytogenetic location: 17q11.2.
Variant type: single nucleotide variant.
Coding change: c.5111A>G on transcript NM_001042492.3 (MANE Select); coding-DNA position 5111, A replaced by G.
Protein change: p.Lys1704Arg; replaces lysine 1704 with arginine.
Molecular consequence: missense variant.
Genome position (GRCh38, 1-based): chr17:31,326,095, A>G. VCF-style: chr17-31326095-A-G. GRCh37 (hg19) VCF-style: chr17-29653113-A-G.
Other names: c.5048A>G, p.Lys1683Arg (NM_000267.4); short protein forms K1683R, K1704R.
Identifiers: ClinVar variation 1744984 (VCV001744984.3), dbSNP rs2151538522, ClinGen allele CA399007649.